The following is an entry in ClinVar:

ClinVar aggregate classification (germline): Uncertain significance (1 of 4 stars; one submission).

Conditions:
Familial thoracic aortic aneurysm and aortic dissection (TAAD). Also called: Thoracic aortic aneurysms and dissections. Identifiers: Orphanet 91387, MedGen C4707243, MONDO:0019625.

gnomAD v4.1: 1 of 1,613,904 alleles (0.000062%); highest among the groups gnomAD compares: East Asian, 0.0022%; no homozygotes.

Submission:

Labcorp Genetics (formerly Invitae), Labcorp
Classification: Uncertain significance for Familial thoracic aortic aneurysm and aortic dissection. Last evaluated: 2024-10-17. Review status: criteria provided, single submitter. Criteria: Invitae Variant Classification Sherloc (09022015). Collection method: clinical testing. Allele origin: germline.
Comment: This sequence change replaces isoleucine, which is neutral and non-polar, with phenylalanine, which is neutral and non-polar, at codon 148 of the TGFBR2 protein (p.Ile148Phe). This variant is not present in population databases (gnomAD no frequency). This variant has not been reported in the literature in individuals affected with TGFBR2-related conditions. Invitae Evidence Modeling of protein sequence and biophysical properties (such as structural, functional, and spatial information, amino acid conservation, physicochemical variation, residue mobility, and thermodynamic stability) indicates that this missense variant is not expected to disrupt TGFBR2 protein function with a negative predictive value of 95%. In summary, the available evidence is currently insufficient to determine the role of this variant in disease. Therefore, it has been classified as a Variant of Uncertain Significance.

NM_003242.6(TGFBR2):c.442A>T (p.Ile148Phe)

Gene: TGFBR2 (transforming growth factor beta receptor 2; plus strand). Cytogenetic location: 3p24.1.
Variant type: single nucleotide variant.
Coding change: c.442A>T on transcript NM_003242.6 (MANE Select); coding-DNA position 442, A replaced by T.
Protein change: p.Ile148Phe; replaces isoleucine 148 with phenylalanine.
Molecular consequence: missense variant. On other transcripts: intron variant (2).
Genome position (GRCh38, 1-based): chr3:30,650,448, A>T. VCF-style: chr3-30650448-A-T. GRCh37 (hg19) VCF-style: chr3-30691940-A-T.
Other names: c.337A>T, p.Ile113Phe (NM_001407134.1, NM_001407136.1, NM_001407135.1 and 3 more transcripts); c.517A>T, p.Ile173Phe (NM_001407139.1, NM_001024847.3, NM_001407126.1); c.170-21190A>T (NM_001407137.1); c.95-21190A>T (NM_001407138.1); c.442A>T, p.Ile148Phe (NM_001407127.1, NM_001407130.1); c.469A>T, p.Ile157Phe (NM_001407128.1); short protein forms I148F, I157F, I113F, I173F.
Identifiers: ClinVar variation 3671019 (VCV003671019.1).